The following is an entry in ClinVar:

ClinVar aggregate classification (germline): Uncertain significance (1 of 4 stars; one submission).

Conditions:
Renal cell carcinoma. Identifiers: Orphanet 217071, MedGen C0007134, MeSH D002292, MONDO:0005086, HP:0005584.

Submission:

Labcorp Genetics (formerly Invitae), Labcorp
Classification: Uncertain significance for Renal cell carcinoma. Last evaluated: 2022-11-14. Review status: criteria provided, single submitter. Criteria: Invitae Variant Classification Sherloc (09022015). Collection method: clinical testing. Allele origin: germline.
Comment: This sequence change replaces valine, which is neutral and non-polar, with alanine, which is neutral and non-polar, at codon 466 of the MET protein (p.Val466Ala). This variant is not present in population databases (gnomAD no frequency). This variant has not been reported in the literature in individuals affected with MET-related conditions. Advanced modeling of protein sequence and biophysical properties (such as structural, functional, and spatial information, amino acid conservation, physicochemical variation, residue mobility, and thermodynamic stability) performed at Invitae indicates that this missense variant is expected to disrupt MET protein function. In summary, the available evidence is currently insufficient to determine the role of this variant in disease. Therefore, it has been classified as a Variant of Uncertain Significance.

NM_000245.4(MET):c.1397T>C (p.Val466Ala)

Gene: MET (MET proto-oncogene, receptor tyrosine kinase; plus strand). Cytogenetic location: 7q31.2.
Variant type: single nucleotide variant.
Coding change: c.1397T>C on transcript NM_000245.4 (MANE Select); coding-DNA position 1397, T replaced by C.
Protein change: p.Val466Ala; replaces valine 466 with alanine.
Molecular consequence: missense variant.
Genome position (GRCh38, 1-based): chr7:116,739,954, T>C. VCF-style: chr7-116739954-T-C. GRCh37 (hg19) VCF-style: chr7-116380008-T-C.
Other names: c.1397T>C, p.Val466Ala (NM_001127500.3, NM_001324401.3); c.107T>C, p.Val36Ala (NM_001324402.2); short protein forms V36A, V466A.
Identifiers: ClinVar variation 2416638 (VCV002416638.6), dbSNP rs2116825627, ClinGen allele CA368974015.